The following is an entry in ClinVar:

ClinVar aggregate classification (germline): Likely benign. Review status: criteria provided, multiple submitters, no conflicts (2 of 4 stars). 2 submissions from 2 submitters: Likely benign (2). Last evaluated 2025-12-10.

Allele frequency attached by ClinVar (database versions not stated): TOPMed below 0.00001; ExAC 0.00002; gnomAD 0.00003; ESP Exome Variant Server 0.00008.
gnomAD v4.1: 47 of 1,613,478 alleles (0.0029%); highest among the groups gnomAD compares: Non-Finnish European, 0.0037%; no homozygotes.

Submissions (2):

Labcorp Genetics (formerly Invitae), Labcorp
Classification: Likely benign. Last evaluated: 2025-12-10. Review status: criteria provided, single submitter. Criteria: Invitae Variant Classification Sherloc (09022015). Collection method: clinical testing. Allele origin: germline.

GeneDx
Classification: Likely benign. Last evaluated: 2017-08-01. Review status: criteria provided, single submitter. Criteria: GeneDx Variant Classification (06012015). Collection method: clinical testing. Allele origin: germline. Affected: yes.
Comment: This variant is considered likely benign or benign based on one or more of the following criteria: it is a conservative change, it occurs at a poorly conserved position in the protein, it is predicted to be benign by multiple in silico algorithms, and/or has population frequency not consistent with disease.

NM_006329.4(FBLN5):c.502+14G>T

Gene: FBLN5 (fibulin 5; minus strand). Cytogenetic location: 14q32.12.
Variant type: single nucleotide variant.
Coding change: c.502+14G>T on transcript NM_006329.4 (MANE Select); 14 bases into the intron after coding-DNA position 502, G replaced by T.
Molecular consequence: intron variant.
Genome position (GRCh38, 1-based): chr14:91,894,936, C>A on the plus strand (G>T on the coding strand, the complement: FBLN5 is on the minus strand). VCF-style: chr14-91894936-C-A. GRCh37 (hg19) VCF-style: chr14-92361280-C-A.
Other names: c.502+14G>T (NM_001384160.1); c.625+14G>T (NM_001384158.1); c.334+14G>T (NM_001384162.1, NM_001384161.1); c.553+14G>T (NM_001384159.1).
Identifiers: ClinVar variation 511232 (VCV000511232.5), dbSNP rs372515145, ClinGen allele CA7312834.